The following is an entry in ClinVar:

ClinVar aggregate classification (germline): Uncertain significance (1 of 4 stars; one submission).

Conditions:
TUB-related disorder. Also called: TUB-related condition.

gnomAD v4.1: 14 of 1,614,068 alleles (0.00087%); highest among the groups gnomAD compares: South Asian, 0.0044%; no homozygotes.

Submission:

PreventionGenetics, part of Exact Sciences
Classification: Uncertain significance for TUB-related condition. Last evaluated: 2025-06-16. Review status: criteria provided, single submitter. Criteria: ACMG Guidelines, 2015. Collection method: clinical testing. Allele origin: germline.
Comment: The TUB c.976C>T variant is predicted to result in the amino acid substitution p.Arg326Trp. To our knowledge, this variant has not been reported in the literature. This variant is reported in 0.0062% of alleles in individuals of African descent in gnomAD. At this time, the clinical significance of this variant is uncertain due to the absence of conclusive functional and genetic evidence.

NM_177972.3(TUB):c.811C>T (p.Arg271Trp)

Genes: RIC3 (RIC3 acetylcholine receptor chaperone; minus strand), TUB (TUB bipartite transcription factor; plus strand). Cytogenetic location: 11p15.4.
Variant type: single nucleotide variant.
Coding change: c.811C>T on transcript NM_177972.3 (MANE Select); coding-DNA position 811, C replaced by T.
Protein change: p.Arg271Trp; replaces arginine 271 with tryptophan.
Molecular consequence: missense variant.
Genome position (GRCh38, 1-based): chr11:8,097,351, C>T. VCF-style: chr11-8097351-C-T. GRCh37 (hg19) VCF-style: chr11-8118898-C-T.
Other names: c.829C>T, p.Arg277Trp (NM_001440538.1, NM_001440539.1); c.661C>T, p.Arg221Trp (NM_001440540.1, NM_001440542.1); c.643C>T, p.Arg215Trp (NM_001440541.1); c.976C>T, p.Arg326Trp (NM_003320.5); short protein forms R221W, R271W, R326W, R215W, R277W.
Identifiers: ClinVar variation 4977147 (VCV004977147.1).
Genomic context (GRCh38, chr11:8,097,351, plus strand): 5'-CTTGAGGAGTTTGCACTGAGGCCGGCCCCCCAGGGTATCACCATCAAATGCCGCATCACT[C>T]GGGACAAGAAAGGGATGGACCGGGGCATGTACCCCACCTACTTTCTGCACCTGGACCGTG-3'
Protein context (NP_813977.1, residues 261-281): QGITIKCRIT[Arg271Trp]DKKGMDRGMY